The following is an entry in ClinVar:

ClinVar aggregate classification (germline): Uncertain significance. Review status: criteria provided, multiple submitters, no conflicts (2 of 4 stars). 2 submissions from 2 submitters: Uncertain significance (2). Last evaluated 2025-08-24.

gnomAD v4.1: 49 of 1,613,502 alleles (0.003%); highest among the groups gnomAD compares: Non-Finnish European, 0.004%; no homozygotes.

Submissions (2):

Ambry Genetics
Classification: Uncertain significance. Last evaluated: 2025-08-24. Review status: criteria provided, single submitter. Criteria: Ambry Variant Classification Scheme 2023. Collection method: clinical testing. Allele origin: germline.

Labcorp Genetics (formerly Invitae), Labcorp
Classification: Uncertain significance. Last evaluated: 2022-07-18. Review status: criteria provided, single submitter. Criteria: Invitae Variant Classification Sherloc (09022015). Collection method: clinical testing. Allele origin: germline.
Comment: This sequence change replaces arginine, which is basic and polar, with leucine, which is neutral and non-polar, at codon 506 of the EPS8L2 protein (p.Arg506Leu). This variant is present in population databases (rs755156774, gnomAD 0.005%). This variant has not been reported in the literature in individuals affected with EPS8L2-related conditions. ClinVar contains an entry for this variant (Variation ID: 1422115). Algorithms developed to predict the effect of missense changes on protein structure and function are either unavailable or do not agree on the potential impact of this missense change (SIFT: "Deleterious"; PolyPhen-2: "Probably Damaging"; Align-GVGD: "Class C0"). In summary, the available evidence is currently insufficient to determine the role of this variant in disease. Therefore, it has been classified as a Variant of Uncertain Significance.

NM_022772.4(EPS8L2):c.1517G>T (p.Arg506Leu)

Gene: EPS8L2 (EPS8 signaling adaptor L2; plus strand). Cytogenetic location: 11p15.5.
Variant type: single nucleotide variant.
Coding change: c.1517G>T on transcript NM_022772.4 (MANE Select); coding-DNA position 1517, G replaced by T.
Protein change: p.Arg506Leu; replaces arginine 506 with leucine.
Molecular consequence: missense variant.
Genome position (GRCh38, 1-based): chr11:724,786, G>T. VCF-style: chr11-724786-G-T. GRCh37 (hg19) VCF-style: chr11-724786-G-T.
Other names: c.1517G>T (NM_022772.3); short protein forms R506L.
Identifiers: ClinVar variation 1422115 (VCV001422115.4), dbSNP rs755156774, ClinGen allele CA5787671.